The following is an entry in ClinVar:

NM_206933.4(USH2A):c.2677A>G (p.Asn893Asp)

Genes: USH2A (usherin; minus strand), LOC122152296 (Sharpr-MPRA regulatory region 8762; plus strand). Cytogenetic location: 1q41.
Variant type: single nucleotide variant.
Coding change: c.2677A>G on transcript NM_206933.4 (MANE Select); coding-DNA position 2677, A replaced by G.
Protein change: p.Asn893Asp; replaces asparagine 893 with aspartic acid.
Molecular consequence: missense variant.
Genome position (GRCh38, 1-based): chr1:216,246,717, T>C on the plus strand (A>G on the coding strand, the complement: USH2A is on the minus strand). VCF-style: chr1-216246717-T-C. GRCh37 (hg19) VCF-style: chr1-216420059-T-C.
Other names: c.2677A>G, p.Asn893Asp (NM_007123.6); short protein forms N893D.
Identifiers: ClinVar variation 4800038 (VCV004800038.1).
Genomic context (GRCh38, chr1:216,246,717, plus strand): 5'-AAATGGTCCCAGGTAATGTCCCCAAGGAATCACACTCACACATCTGGCAGTGTTGAAAAT[T>C]GTCAATGGTCAAATTGTACCTGTGAGGCTCACACTGATTACAGCGAAGACCTGTTACCCC-3'
Protein context (NP_996816.3, residues 883-903): EPHRYNLTID[Asn893Asp]FQHCQMCECD

ClinVar aggregate classification (germline): Uncertain significance (1 of 4 stars; one submission).

gnomAD v4.1: 1 of 1,614,124 alleles (0.000062%); highest among the groups gnomAD compares: Non-Finnish European, 0.000085%; no homozygotes.

Submission:

Labcorp Genetics (formerly Invitae), Labcorp
Classification: Uncertain significance. Last evaluated: 2025-07-22. Review status: criteria provided, single submitter. Criteria: Invitae Variant Classification Sherloc (09022015). Collection method: clinical testing. Allele origin: germline.
Comment: This sequence change replaces asparagine, which is neutral and polar, with aspartic acid, which is acidic and polar, at codon 893 of the USH2A protein (p.Asn893Asp). This variant is not present in population databases (gnomAD no frequency). This variant has not been reported in the literature in individuals affected with USH2A-related conditions. Invitae Evidence Modeling of protein sequence and biophysical properties (such as structural, functional, and spatial information, amino acid conservation, physicochemical variation, residue mobility, and thermodynamic stability) indicates that this missense variant is not expected to disrupt USH2A protein function with a negative predictive value of 95%. In summary, the available evidence is currently insufficient to determine the role of this variant in disease. Therefore, it has been classified as a Variant of Uncertain Significance.